The following is an entry in ClinVar:

NM_005477.3(HCN4):c.3439G>A (p.Gly1147Ser)

Gene: HCN4 (hyperpolarization activated cyclic nucleotide gated potassium channel 4; minus strand). Cytogenetic location: 15q24.1.
Variant type: single nucleotide variant.
Coding change: c.3439G>A on transcript NM_005477.3 (MANE Select); coding-DNA position 3439, G replaced by A.
Protein change: p.Gly1147Ser; replaces glycine 1147 with serine.
Molecular consequence: missense variant.
Genome position (GRCh38, 1-based): chr15:73,322,654, C>T on the plus strand (G>A on the coding strand, the complement: HCN4 is on the minus strand). VCF-style: chr15-73322654-C-T. GRCh37 (hg19) VCF-style: chr15-73614995-C-T.
Other names: p.Gly1147Ser; c.3439G>A (NM_005477.2); short protein forms G1147S.
Identifiers: ClinVar variation 1382751 (VCV001382751.10), dbSNP rs747427482, ClinGen allele CA7648823.

ClinVar aggregate classification (germline): Uncertain significance. Review status: criteria provided, multiple submitters, no conflicts (2 of 4 stars). 3 submissions from 3 submitters: Uncertain significance (3). Last evaluated 2025-06-05.

Conditions:
Brugada syndrome 8 (BRGDA8). Identifiers: Orphanet 130, MedGen C2751083, MONDO:0013148, OMIM 613123.

Allele frequency attached by ClinVar (database versions not stated): ExAC 0.00001; gnomAD 0.00001.
gnomAD v4.1: 18 of 1,608,950 alleles (0.0011%); highest among the groups gnomAD compares: East Asian, 0.0022%; no homozygotes.

Submissions (3):

Mayo Clinic Laboratories, Mayo Clinic
Classification: Uncertain significance. Last evaluated: 2025-06-05. Review status: criteria provided, single submitter. Criteria: ACMG Guidelines, 2015. Collection method: clinical testing. Allele origin: germline. Observed: 1 variant allele.

Labcorp Genetics (formerly Invitae), Labcorp
Classification: Uncertain significance for Brugada syndrome 8. Last evaluated: 2024-11-18. Review status: criteria provided, single submitter. Criteria: Invitae Variant Classification Sherloc (09022015). Collection method: clinical testing. Allele origin: germline.
Comment: This sequence change replaces glycine, which is neutral and non-polar, with serine, which is neutral and polar, at codon 1147 of the HCN4 protein (p.Gly1147Ser). The frequency data for this variant in the population databases is considered unreliable, as metrics indicate poor data quality at this position in the gnomAD database. This variant has not been reported in the literature in individuals affected with HCN4-related conditions. ClinVar contains an entry for this variant (Variation ID: 1382751). Invitae Evidence Modeling of protein sequence and biophysical properties (such as structural, functional, and spatial information, amino acid conservation, physicochemical variation, residue mobility, and thermodynamic stability) indicates that this missense variant is not expected to disrupt HCN4 protein function with a negative predictive value of 95%. In summary, the available evidence is currently insufficient to determine the role of this variant in disease. Therefore, it has been classified as a Variant of Uncertain Significance.

GeneDx
Classification: Uncertain significance. Last evaluated: 2024-08-22. Review status: criteria provided, single submitter. Criteria: GeneDx Variant Classification Process June 2021. Collection method: clinical testing. Allele origin: germline. Affected: yes.
Comment: Not observed at significant frequency in large population cohorts (gnomAD); In silico analysis indicates that this missense variant does not alter protein structure/function; Has not been previously published as pathogenic or benign to our knowledge